The following is an entry in ClinVar:

NM_001012614.2(CTBP1):c.1106G>A (p.Arg369Lys)

Genes: CTBP1 (C-terminal binding protein 1; minus strand), CTBP1-AS (CTBP1 antisense RNA; plus strand). Cytogenetic location: 4p16.3.
Variant type: single nucleotide variant.
Coding change: c.1106G>A on transcript NM_001012614.2 (MANE Select); coding-DNA position 1106, G replaced by A.
Protein change: p.Arg369Lys; replaces arginine 369 with lysine.
Molecular consequence: missense variant.
Genome position (GRCh38, 1-based): chr4:1,212,913, C>T on the plus strand (G>A on the coding strand, the complement: CTBP1 is on the minus strand). VCF-style: chr4-1212913-C-T. GRCh37 (hg19) VCF-style: chr4-1206701-C-T.
Other names: c.1139G>A, p.Arg380Lys (NM_001328.3); c.1139G>A, p.Ser380Asn (NM_001377186.1); c.1106G>A, p.Ser369Asn (NM_001377187.1, NM_001377188.1, NM_001377189.1 and 1 more transcripts); c.1106G>A, p.Arg369Lys (NM_001377191.1, NM_001377192.1, NM_001377193.1); short protein forms S369N, S380N, R369K, R380K.
Identifiers: ClinVar variation 5008609 (VCV005008609.1).

ClinVar aggregate classification (germline): Uncertain significance (1 of 4 stars; one submission).

gnomAD v4.1: 1 of 1,613,108 alleles (0.000062%); highest among the groups gnomAD compares: Non-Finnish European, 0.000085%; no homozygotes.

Submission:

GeneDx
Classification: Uncertain significance. Last evaluated: 2026-03-07. Review status: criteria provided, single submitter. Criteria: GeneDx Variant Classification Process June 2021. Collection method: clinical testing. Allele origin: germline.
Comment: Not observed at significant frequency in large population cohorts (gnomAD); In silico analysis suggests that this missense variant does not alter protein structure/function; In silico analysis is inconclusive as to whether the variant alters gene splicing. In the absence of RNA/functional studies, the actual effect of this sequence change is unknown.; Has not been previously published as pathogenic or benign to our knowledge